The following is an entry in ClinVar:

NM_000384.3(APOB):c.7951A>T (p.Thr2651Ser)

Gene: APOB (apolipoprotein B; minus strand). Cytogenetic location: 2p24.1.
Variant type: single nucleotide variant.
Coding change: c.7951A>T on transcript NM_000384.3 (MANE Select); coding-DNA position 7951, A replaced by T.
Protein change: p.Thr2651Ser; replaces threonine 2651 with serine.
Molecular consequence: missense variant.
Genome position (GRCh38, 1-based): chr2:21,008,917, T>A on the plus strand (A>T on the coding strand, the complement: APOB is on the minus strand). VCF-style: chr2-21008917-T-A. GRCh37 (hg19) VCF-style: chr2-21231789-T-A.
Other names: short protein forms T2651S.
Identifiers: ClinVar variation 5027422 (VCV005027422.1).

ClinVar aggregate classification (germline): Uncertain significance (1 of 4 stars; one submission).

Conditions:
Cardiovascular phenotype. Identifiers: MedGen CN230736.

Submission:

Ambry Genetics
Classification: Uncertain significance for Cardiovascular phenotype. Last evaluated: 2026-07-02. Review status: criteria provided, single submitter. Criteria: Ambry Variant Classification Scheme 2023. Collection method: clinical testing. Allele origin: germline.
Comment: The p.T2651S variant (also known as c.7951A>T), located in coding exon 26 of the APOB gene, results from an A to T substitution at nucleotide position 7951. The threonine at codon 2651 is replaced by serine, an amino acid with similar properties. This amino acid position is conserved. In addition, this alteration is predicted to be tolerated by in silico analysis. Based on the available evidence, the clinical significance of this variant remains unclear.